The following is an entry in ClinVar:

NM_001009999.3(KDM1A):c.1997C>T (p.Pro666Leu)

Gene: KDM1A (lysine demethylase 1A; plus strand). Cytogenetic location: 1p36.12.
Variant type: single nucleotide variant.
Coding change: c.1997C>T on transcript NM_001009999.3 (MANE Select); coding-DNA position 1997, C replaced by T.
Protein change: p.Pro666Leu; replaces proline 666 with leucine.
Molecular consequence: missense variant.
Genome position (GRCh38, 1-based): chr1:23,079,119, C>T. VCF-style: chr1-23079119-C-T. GRCh37 (hg19) VCF-style: chr1-23405612-C-T.
Other names: c.1943C>T, p.Pro648Leu (NM_001363654.2); c.2003C>T, p.Pro668Leu (NM_001410762.1); c.1925C>T, p.Pro642Leu (NM_001410763.1, NM_015013.4); short protein forms P668L, P648L, P666L, P642L.
Identifiers: ClinVar variation 4042189 (VCV004042189.1).

ClinVar aggregate classification (germline): Uncertain significance (1 of 4 stars; one submission).

Conditions:
Inborn genetic diseases. Identifiers: MedGen C0950123, MeSH D030342.

gnomAD v4.1: 4 of 1,614,196 alleles (0.00025%); highest among the groups gnomAD compares: Non-Finnish European, 0.00025%; no homozygotes.

Submission:

Ambry Genetics
Classification: Uncertain significance for Inborn genetic diseases. Last evaluated: 2025-06-14. Review status: criteria provided, single submitter. Criteria: Ambry Variant Classification Scheme 2023. Collection method: clinical testing. Allele origin: germline.
Comment: The p.P666L variant (also known as c.1997C>T), located in coding exon 17 of the KDM1A gene, results from a C to T substitution at nucleotide position 1997. The proline at codon 666 is replaced by leucine, an amino acid with similar properties. This amino acid position is conserved. In addition, this alteration is predicted to be deleterious by in silico analysis. Based on the available evidence, the clinical significance of this variant remains unclear.